The following is an entry in ClinVar:

ClinVar aggregate classification (germline): Pathogenic. Review status: reviewed by expert panel (3 of 4 stars). 4 submissions from 4 submitters: Pathogenic (1). 3 of the submissions do not count toward it. Last evaluated 2016-09-08.

Conditions:
Hereditary breast ovarian cancer syndrome. Also called: Hereditary breast and ovarian cancer syndrome; Hereditary breast and ovarian cancer; Hereditary breast and ovarian cancer syndrome (HBOC); Breast and ovarian cancer; Hereditary breast and/or ovarian cancer syndrome; BRCA1- and BRCA2-Associated Hereditary Breast and Ovarian Cancer. Identifiers: Orphanet 145, MedGen C0677776, MeSH D061325, MONDO:0003582. Disease mechanism: loss of function.
Hereditary cancer-predisposing syndrome. Also called: Neoplastic Syndromes, Hereditary; Tumor predisposition; Hereditary neoplastic syndrome; Hereditary Cancer Syndrome. Identifiers: Orphanet 140162, MedGen C0027672, MeSH D009386, MONDO:0015356.
Breast-ovarian cancer, familial, susceptibility to, 2 (BROVCA2). Also called: BRCA2 Hereditary Breast and Ovarian Cancer. Identifiers: Orphanet 145, MedGen C2675520, MONDO:0012933, OMIM 612555. Disease mechanism: loss of function.

Submissions (4):

Evidence-based Network for the Interpretation of Germline Mutant Alleles (ENIGMA)
Classification: Pathogenic for Breast-ovarian cancer, familial, susceptibility to, 2. Last evaluated: 2016-09-08. Review status: reviewed by expert panel. Criteria: ENIGMA BRCA1/2 Classification Criteria (2015). Collection method: curation. Allele origin: germline.
Comment: Variant allele predicted to encode a truncated non-functional protein.

Ambry Genetics
Classification: Pathogenic for Hereditary cancer-predisposing syndrome. Last evaluated: 2024-03-22. Review status: criteria provided, single submitter. Criteria: Ambry Variant Classification Scheme 2023. Collection method: clinical testing. Allele origin: germline. Not counted in ClinVar's aggregate classification.
Comment: The c.6601delT pathogenic mutation, located in coding exon 10 of the BRCA2 gene, results from a deletion of one nucleotide at nucleotide position 6601, causing a translational frameshift with a predicted alternate stop codon (p.S2201Lfs*5). This variant has been identified in individuals at risk for hereditary breast and/or ovarian cancer (Hansen TV et al. Fam. Cancer 2011 Jun;10(2):207-12; Li J et al. Int. J. Cancer 2019 01;144(2):281-289). This variant is also designated as 6825delT and c.6597delT in published literature. This variant is considered to be rare based on population cohorts in the Genome Aggregation Database (gnomAD). In addition to the clinical data presented in the literature, this alteration is expected to result in loss of function by premature protein truncation or nonsense-mediated mRNA decay. As such, this alteration is interpreted as a disease-causing mutation.

Labcorp Genetics (formerly Invitae), Labcorp
Classification: Pathogenic for Hereditary breast ovarian cancer syndrome. Last evaluated: 2022-08-16. Review status: criteria provided, single submitter. Criteria: Invitae Variant Classification Sherloc (09022015). Collection method: clinical testing. Allele origin: germline. Not counted in ClinVar's aggregate classification.
Comment: For these reasons, this variant has been classified as Pathogenic. ClinVar contains an entry for this variant (Variation ID: 52132). This variant has not been reported in the literature in individuals affected with BRCA2-related conditions. This variant is not present in population databases (gnomAD no frequency). This sequence change creates a premature translational stop signal (p.Ser2201Leufs*5) in the BRCA2 gene. It is expected to result in an absent or disrupted protein product. Loss-of-function variants in BRCA2 are known to be pathogenic (PMID: 20104584).

Consortium of Investigators of Modifiers of BRCA1/2 (CIMBA), c/o University of Cambridge
Classification: Pathogenic for Breast-ovarian cancer, familial, susceptibility to, 2. Last evaluated: 2015-10-02. Review status: criteria provided, single submitter. Criteria: CIMBA Mutation Classification guidelines May 2016. Collection method: clinical testing. Allele origin: germline. Not counted in ClinVar's aggregate classification.

Literature cited by the submitters: PubMed 21318380 (cited by Ambry Genetics); PubMed 23704984 (cited by Ambry Genetics); PubMed 20104584 (cited by Labcorp Genetics (formerly Invitae), Labcorp).

NM_000059.4(BRCA2):c.6601del (p.Ser2201fs)

Gene: BRCA2 (BRCA2 DNA repair associated; plus strand). Cytogenetic location: 13q13.1.
Variant type: Deletion.
Coding change: c.6601del on transcript NM_000059.4 (MANE Select); coding-DNA position 6601, one base deleted (T; older notation c.6601delT).
Protein change: p.Ser2201fs; shifts the reading frame from serine 2201.
Molecular consequence: frameshift variant.
Genome position (GRCh38, 1-based): chr13:32,340,956, T deleted; the last of 5 consecutive T bases (chr13:32,340,952-32,340,956); deleting any one gives the same sequence. VCF-style (leftmost placement, unchanged base first): chr13-32340951-CT-C. GRCh37 (hg19) VCF-style: chr13-32915088-CT-C.
Other names: c.6601delT (NM_000059.3).
Identifiers: ClinVar variation 52132 (VCV000052132.18), dbSNP rs80359607, ClinGen allele CA024201.